The following is an entry in ClinVar:

NM_003002.4(SDHD):c.379G>A (p.Gly127Arg)

Gene: SDHD (succinate dehydrogenase complex subunit D; plus strand). Cytogenetic location: 11q23.1.
Variant type: single nucleotide variant.
Coding change: c.379G>A on transcript NM_003002.4 (MANE Select); coding-DNA position 379, G replaced by A.
Protein change: p.Gly127Arg; replaces glycine 127 with arginine.
Molecular consequence: missense variant. On other transcripts: synonymous variant (1), 3 prime UTR variant (1), non-coding transcript variant (1).
Genome position (GRCh38, 1-based): chr11:112,094,869, G>A. VCF-style: chr11-112094869-G-A. GRCh37 (hg19) VCF-style: chr11-111965593-G-A.
Other names: c.234G>A, p.Gln78= (NM_001276503.2); c.262G>A, p.Gly88Arg (NM_001276504.2); c.*77G>A (NM_001276506.2); short protein forms G127R, G88R.
Identifiers: ClinVar variation 3951418 (VCV003951418.2).

ClinVar aggregate classification (germline): Uncertain significance (1 of 4 stars; one submission).

Conditions:
Hereditary cancer-predisposing syndrome. Also called: Hereditary Cancer Syndrome; Hereditary neoplastic syndrome; Neoplastic Syndromes, Hereditary; Tumor predisposition. Identifiers: Orphanet 140162, MedGen C0027672, MeSH D009386, MONDO:0015356.

Submission:

Ambry Genetics
Classification: Uncertain significance for Hereditary cancer-predisposing syndrome. Last evaluated: 2026-07-08. Review status: criteria provided, single submitter. Criteria: Ambry Variant Classification Scheme 2023. Collection method: clinical testing. Allele origin: germline.
Comment: The p.G127R variant (also known as c.379G>A), located in coding exon 4 of the SDHD gene, results from a G to A substitution at nucleotide position 379. The glycine at codon 127 is replaced by arginine, an amino acid with dissimilar properties. This amino acid position is well conserved in available vertebrate species. In addition, this alteration is predicted to be deleterious by in silico analysis. Based on the available evidence, the clinical significance of this variant remains unclear.